The following is an entry in ClinVar:

ClinVar aggregate classification (germline): Uncertain significance (1 of 4 stars; one submission).

gnomAD v4.1: 1 of 1,614,142 alleles (0.000062%); highest among the groups gnomAD compares: South Asian, 0.0011%; no homozygotes.

Submission:

Labcorp Genetics (formerly Invitae), Labcorp
Classification: Uncertain significance. Last evaluated: 2021-12-03. Review status: criteria provided, single submitter. Criteria: Invitae Variant Classification Sherloc (09022015). Collection method: clinical testing. Allele origin: germline.
Comment: In summary, the available evidence is currently insufficient to determine the role of this variant in disease. Therefore, it has been classified as a Variant of Uncertain Significance. Algorithms developed to predict the effect of sequence changes on RNA splicing suggest that this variant may create or strengthen a splice site. Algorithms developed to predict the effect of missense changes on protein structure and function are either unavailable or do not agree on the potential impact of this missense change (SIFT: "Deleterious"; PolyPhen-2: "Probably Damaging"; Align-GVGD: "Class C0"). This variant has not been reported in the literature in individuals affected with ERCC2-related conditions. This variant is not present in population databases (gnomAD no frequency). This sequence change replaces leucine, which is neutral and non-polar, with valine, which is neutral and non-polar, at codon 708 of the ERCC2 protein (p.Leu708Val).

NM_000400.4(ERCC2):c.2122C>G (p.Leu708Val)

Gene: ERCC2 (ERCC excision repair 2, TFIIH core complex helicase subunit; minus strand). Cytogenetic location: 19q13.32.
Variant type: single nucleotide variant.
Coding change: c.2122C>G on transcript NM_000400.4 (MANE Select); coding-DNA position 2122, C replaced by G.
Protein change: p.Leu708Val; replaces leucine 708 with valine.
Molecular consequence: missense variant.
Genome position (GRCh38, 1-based): chr19:45,352,277, G>C on the plus strand (C>G on the coding strand, the complement: ERCC2 is on the minus strand). VCF-style: chr19-45352277-G-C. GRCh37 (hg19) VCF-style: chr19-45855535-G-C.
Other names: short protein forms L708V.
Identifiers: ClinVar variation 1497472 (VCV001497472.6), dbSNP rs1396520212, ClinGen allele CA406362173.